The following is an entry in ClinVar:

ClinVar aggregate classification (germline): Conflicting classifications of pathogenicity. Review status: criteria provided, conflicting classifications (1 of 4 stars). 4 submissions from 4 submitters: Uncertain significance (3); Likely benign (1). Last evaluated 2025-07-21.

Conditions:
Cardiovascular phenotype. Identifiers: MedGen CN230736.
Familial hypercholesterolemia. Also called: Familial hypercholesterolemias; Familial hypercholesterolaemia. Identifiers: MedGen C0020445, MONDO:0005439.
Hypercholesterolemia, familial, 4 (FHCL4). Also called: HYPERCHOLESTEROLEMIA, AUTOSOMAL RECESSIVE, 1; HYPERCHOLESTEROLEMIA, AUTOSOMAL RECESSIVE, 2. Identifiers: Orphanet 391665, MedGen C1863512, MONDO:0011374, OMIM 603813.
LDLRAP1-related disorder. Also called: LDLRAP1-related condition.

Allele frequency attached by ClinVar (database versions not stated): gnomAD 0.00007 and 0.00008; gnomAD exomes 0.00007 and 0.00008; TOPMed 0.00008; ExAC 0.00013; ESP Exome Variant Server 0.00015.
gnomAD v4.1: 132 of 1,611,700 alleles (0.0082%); highest among the groups gnomAD compares: Non-Finnish European, 0.01%; no homozygotes.

Submissions (4):

Cambridge Genomics Laboratory, East Genomic Laboratory Hub, NHS Genomic Medicine Service
Classification: Uncertain significance for Familial hypercholesterolaemia. Last evaluated: 2025-07-21. Review status: criteria provided, single submitter. Criteria: ACGS Best Practice Guidelines for Variant Classification in Rare Disease 2020. Collection method: clinical testing. Allele origin: germline. Affected: yes.
Comment: BP4

Ambry Genetics
Classification: Likely benign for Cardiovascular phenotype. Last evaluated: 2025-06-18. Review status: criteria provided, single submitter. Criteria: Ambry Variant Classification Scheme 2023. Collection method: clinical testing. Allele origin: germline.

PreventionGenetics, part of Exact Sciences
Classification: Uncertain significance for LDLRAP1-related condition. Last evaluated: 2025-01-14. Review status: criteria provided, single submitter. Criteria: ACMG Guidelines, 2015. Collection method: clinical testing. Allele origin: germline.
Comment: The LDLRAP1 c.413A>G variant is predicted to result in the amino acid substitution p.Asn138Ser. To our knowledge, this variant has not been reported in the literature. This variant is reported in 0.017% of alleles in individuals of European (Non-Finnish) descent in gnomAD. At this time, the clinical significance of this variant is uncertain due to the absence of conclusive functional and genetic evidence.

Labcorp Genetics (formerly Invitae), Labcorp
Classification: Uncertain significance for Hypercholesterolemia, familial, 4. Last evaluated: 2022-08-09. Review status: criteria provided, single submitter. Criteria: Invitae Variant Classification Sherloc (09022015). Collection method: clinical testing. Allele origin: germline.
Comment: This sequence change replaces asparagine, which is neutral and polar, with serine, which is neutral and polar, at codon 138 of the LDLRAP1 protein (p.Asn138Ser). This variant is present in population databases (rs375900985, gnomAD 0.02%). This variant has not been reported in the literature in individuals affected with LDLRAP1-related conditions. Algorithms developed to predict the effect of missense changes on protein structure and function output the following: SIFT: "Deleterious"; PolyPhen-2: "Benign"; Align-GVGD: "Class C45". The serine amino acid residue is found in multiple mammalian species, which suggests that this missense change does not adversely affect protein function. In summary, the available evidence is currently insufficient to determine the role of this variant in disease. Therefore, it has been classified as a Variant of Uncertain Significance.

NM_015627.3(LDLRAP1):c.413A>G (p.Asn138Ser)

Gene: LDLRAP1 (low density lipoprotein receptor adaptor protein 1; plus strand). Cytogenetic location: 1p36.11.
Variant type: single nucleotide variant.
Coding change: c.413A>G on transcript NM_015627.3 (MANE Select); coding-DNA position 413, A replaced by G.
Protein change: p.Asn138Ser; replaces asparagine 138 with serine.
Molecular consequence: missense variant.
Genome position (GRCh38, 1-based): chr1:25,557,221, A>G. VCF-style: chr1-25557221-A-G. GRCh37 (hg19) VCF-style: chr1-25883712-A-G.
Other names: c.413A>G (NM_015627.2); short protein forms N138S.
Identifiers: ClinVar variation 2043067 (VCV002043067.5), dbSNP rs375900985, ClinGen allele CA695541.